The following is an entry in ClinVar:

ClinVar aggregate classification (germline): Uncertain significance (1 of 4 stars; one submission).

gnomAD v4.1: 6 of 1,614,054 alleles (0.00037%); highest among the groups gnomAD compares: Non-Finnish European, 0.00034%; no homozygotes.

Submission:

Labcorp Genetics (formerly Invitae), Labcorp
Classification: Uncertain significance. Last evaluated: 2024-12-02. Review status: criteria provided, single submitter. Criteria: Invitae Variant Classification Sherloc (09022015). Collection method: clinical testing. Allele origin: germline.
Comment: This sequence change replaces glutamic acid, which is acidic and polar, with lysine, which is basic and polar, at codon 1312 of the KIDINS220 protein (p.Glu1312Lys). This variant is not present in population databases (gnomAD no frequency). This variant has not been reported in the literature in individuals affected with KIDINS220-related conditions. An algorithm developed to predict the effect of missense changes on protein structure and function (PolyPhen-2) suggests that this variant is likely to be tolerated. In summary, the available evidence is currently insufficient to determine the role of this variant in disease. Therefore, it has been classified as a Variant of Uncertain Significance.

NM_020738.4(KIDINS220):c.3934G>A (p.Glu1312Lys)

Gene: KIDINS220 (kinase D interacting substrate 220; minus strand). Cytogenetic location: 2p25.1.
Variant type: single nucleotide variant.
Coding change: c.3934G>A on transcript NM_020738.4 (MANE Select); coding-DNA position 3934, G replaced by A.
Protein change: p.Glu1312Lys; replaces glutamic acid 1312 with lysine.
Molecular consequence: missense variant. On other transcripts: non-coding transcript variant (2).
Genome position (GRCh38, 1-based): chr2:8,733,563, C>T on the plus strand (G>A on the coding strand, the complement: KIDINS220 is on the minus strand). VCF-style: chr2-8733563-C-T. GRCh37 (hg19) VCF-style: chr2-8873693-C-T.
Other names: c.3937G>A, p.Glu1313Lys (NM_001348729.2); c.3880G>A, p.Glu1294Lys (NM_001348731.2); c.3877G>A, p.Glu1293Lys (NM_001348732.2, NM_001348738.2); c.3766G>A, p.Glu1256Lys (NM_001348734.2, NM_001348739.2, NM_001348740.2); c.3763G>A, p.Glu1255Lys (NM_001348735.2, NM_001348741.2, NM_001348742.2 and 1 more transcripts); c.3637G>A, p.Glu1213Lys (NM_001348736.2); short protein forms E1294K, E1312K, E1313K, E1213K, E1255K, E1256K, E1293K.
Identifiers: ClinVar variation 3705937 (VCV003705937.2).
Genomic context (GRCh38, chr2:8,733,563, plus strand): 5'-CTTCGAAGCTGAAGTTGAGTGTGTAGGGCGTCTGGCTGGAGAGCTCGGTGTGAGGCAGCT[C>T]GTTGTGGGAAGCGCGGCGAGCAGGCTCACCGTGCGGGGCTGGGCCACTGCTGCTCTCACT-3'
Protein context (NP_065789.1, residues 1302-1322): GEPARRASHN[Glu1312Lys]LPHTELSSQT